The following is an entry in ClinVar:

ClinVar aggregate classification (germline): Uncertain significance (1 of 4 stars; one submission).

Conditions:
Hypertrophic cardiomyopathy 26. Also called: Cardiomyopathy, familial hypertrophic, 26. Identifiers: Orphanet 75249, MedGen C4310749, MONDO:0014883, OMIM 617047.
Myofibrillar myopathy 5. Also called: Filaminopathy (type); FILAMINOPATHY, AUTOSOMAL DOMINANT. Identifiers: Orphanet 171445, MedGen C1836050, MONDO:0012289, OMIM 609524.
Distal myopathy with posterior leg and anterior hand involvement. Also called: WILLIAMS DISTAL MYOPATHY. Identifiers: Orphanet 63273, MedGen C3279722, MONDO:0013550, OMIM 614065.

Submission:

Labcorp Genetics (formerly Invitae), Labcorp
Classification: Uncertain significance for Distal myopathy with posterior leg and anterior hand involvement; Myofibrillar myopathy 5; Hypertrophic cardiomyopathy 26. Last evaluated: 2025-03-15. Review status: criteria provided, single submitter. Criteria: Invitae Variant Classification Sherloc (09022015). Collection method: clinical testing. Allele origin: germline.
Comment: This variant, c.7276_7281del, results in the deletion of 2 amino acid(s) of the FLNC protein (p.Pro2426_Ala2427del), but otherwise preserves the integrity of the reading frame. This variant is not present in population databases (gnomAD no frequency). This variant has not been reported in the literature in individuals affected with FLNC-related conditions. ClinVar contains an entry for this variant (Variation ID: 2947562). Experimental studies and prediction algorithms are not available or were not evaluated, and the functional significance of this variant is currently unknown. In summary, the available evidence is currently insufficient to determine the role of this variant in disease. Therefore, it has been classified as a Variant of Uncertain Significance.

NM_001458.5(FLNC):c.7276_7281del (p.Pro2426_Ala2427del)

Genes: FLNC (filamin C; plus strand), FLNC-AS1 (FLNC antisense RNA 1; minus strand). Cytogenetic location: 7q32.1.
Variant type: Deletion.
Coding change: c.7276_7281del on transcript NM_001458.5 (MANE Select); coding-DNA positions 7276 to 7281, 6 bases deleted (CCAGCG; older notation c.7276_7281delCCAGCG).
Protein change: p.Pro2426_Ala2427del.
Molecular consequence: inframe deletion.
Genome position (GRCh38, 1-based): chr7:128,856,542-128,856,547, CCAGCG deleted; deleting any 6 consecutive bases within chr7:128,856,541-128,856,547 gives the same sequence; the c. name uses the placement nearest the transcript's 3' end. VCF-style (leftmost placement, unchanged base first): chr7-128856540-AGCCAGC-A. GRCh37 (hg19) VCF-style: chr7-128496594-AGCCAGC-A.
Other names: c.7177_7182del, p.Pro2393_Ala2394del (NM_001127487.2).
Identifiers: ClinVar variation 2947562 (VCV002947562.3), dbSNP rs2536669524, ClinGen allele CA2740094860.